The following is an entry in ClinVar:

NM_000102.4(CYP17A1):c.292C>T (p.Gln98Ter)

Gene: CYP17A1 (cytochrome P450 family 17 subfamily A member 1; minus strand). Cytogenetic location: 10q24.32.
Variant type: single nucleotide variant.
Coding change: c.292C>T on transcript NM_000102.4 (MANE Select); coding-DNA position 292, C replaced by T.
Protein change: p.Gln98Ter; replaces glutamine 98 with a stop codon.
Molecular consequence: nonsense.
Genome position (GRCh38, 1-based): chr10:102,837,070, G>A on the plus strand (C>T on the coding strand, the complement: CYP17A1 is on the minus strand). VCF-style: chr10-102837070-G-A. GRCh37 (hg19) VCF-style: chr10-104596827-G-A.
Other names: short protein forms Q98*.
Identifiers: ClinVar variation 2013747 (VCV002013747.4), dbSNP rs2493245563, ClinGen allele CA377940567.

ClinVar aggregate classification (germline): Pathogenic (1 of 4 stars; one submission).

Submission:

Labcorp Genetics (formerly Invitae), Labcorp
Classification: Pathogenic. Last evaluated: 2022-07-03. Review status: criteria provided, single submitter. Criteria: Invitae Variant Classification Sherloc (09022015). Collection method: clinical testing. Allele origin: germline.
Comment: This variant is not present in population databases (gnomAD no frequency). This sequence change creates a premature translational stop signal (p.Gln98*) in the CYP17A1 gene. It is expected to result in an absent or disrupted protein product. Loss-of-function variants in CYP17A1 are known to be pathogenic (PMID: 17192295, 20197673, 24140098). This variant has not been reported in the literature in individuals affected with CYP17A1-related conditions. For these reasons, this variant has been classified as Pathogenic.

Literature cited by the submitters: PubMed 17192295; PubMed 20197673; PubMed 24140098.